The following is an entry in ClinVar:

ClinVar aggregate classification (germline): Likely pathogenic. Review status: criteria provided, single submitter (1 of 4 stars). 2 submissions from 2 submitters: Likely pathogenic (1). 1 of the submissions does not count toward it. Last evaluated 2024-09-17.

Conditions:
CDKL5-related disorder.

Submissions (2):

Blueprint Genetics
Classification: Likely pathogenic for CDKL5-related disorders. Last evaluated: 2024-09-17. Review status: criteria provided, single submitter. Criteria: ACMG Guidelines, 2015. Collection method: clinical testing. Allele origin: de novo. Affected: yes. Observed: 1 variant allele.

PreventionGenetics, part of Exact Sciences
Classification: Likely pathogenic for CDKL5-related condition. Last evaluated: 2024-09-03. Review status: no assertion criteria provided. Collection method: clinical testing. Allele origin: germline. Not counted in ClinVar's aggregate classification.
Comment: The CDKL5 c.99+1G>A variant is predicted to disrupt the GT donor site and interfere with normal splicing. To our knowledge, this variant has not been reported in the literature or in a large population database, indicating this variant is rare. Another variant affecting the same amino acid (c.99+1G>T) has been reported in an individual with developmental and epileptic encephalopathy (Bahi-Buisson et al. 2008. PubMed ID: 18266744). Variants that disrupt the consensus splice donor site in CDKL5 are expected to be pathogenic. This variant is interpreted as likely pathogenic.

NM_001323289.2(CDKL5):c.99+1G>A

Gene: CDKL5 (cyclin dependent kinase like 5; plus strand). Cytogenetic location: Xp22.13.
Variant type: single nucleotide variant.
Coding change: c.99+1G>A on transcript NM_001323289.2 (MANE Select); the canonical splice donor site of the intron after coding-DNA position 99, G replaced by A.
Molecular consequence: splice donor variant.
Genome position (GRCh38, 1-based): chrX:18,510,855, G>A. VCF-style: chrX-18510855-G-A. GRCh37 (hg19) VCF-style: chrX-18528975-G-A.
Other names: c.99+1G>A (NM_003159.3, NM_001037343.2).
Identifiers: ClinVar variation 3347013 (VCV003347013.2).
Genomic context (GRCh38, chrX:18,510,855, plus strand): 5'-GATTGTTTACTTCTTTTTATTATAGGAGCCTATGGAGTTGTACTTAAATGCAGACACAAG[G>A]CAAGTACATTATTTTTAAAAAGAAATATCTGTATATGTTTAACTGTTTTGAAACTAATGT-3'